The following is an entry in ClinVar:

ClinVar aggregate classification (germline): Conflicting classifications of pathogenicity. Review status: criteria provided, conflicting classifications (1 of 4 stars). 3 submissions from 3 submitters: Uncertain significance (1); Likely benign (2). Last evaluated 2025-03-27.

Conditions:
RYR1-related disorder. Also called: RYR1-related condition; RYR1-related disorders. Identifiers: MedGen CN239331.
Malignant hyperthermia, susceptibility to, 1 (MHS1). Also called: Anesthesia related hyperthermia; Malignant hyperpyrexia; Fulminating hyperpyrexia; Pharmacogenic myopathy; RYR1-Related Malignant Hyperthermia Susceptibility; Malignant hyperthermia suceptibility 1. Identifiers: Orphanet 423, MedGen C2930980, MONDO:0007783, OMIM 145600.

Allele frequency attached by ClinVar (database versions not stated): gnomAD 0.00001; gnomAD exomes 0.00008; ExAC 0.00012; 1000 Genomes Project 0.00020; 1000 Genomes Project 30x 0.00031.
gnomAD v4.1: 43 of 1,613,976 alleles (0.0027%); highest among the groups gnomAD compares: South Asian, 0.044%; no homozygotes.

Submissions (3):

Labcorp Genetics (formerly Invitae), Labcorp
Classification: Likely benign for RYR1-related disorder. Last evaluated: 2025-03-27. Review status: criteria provided, single submitter. Criteria: Invitae Variant Classification Sherloc (09022015). Collection method: clinical testing. Allele origin: germline.

All of Us Research Program, National Institutes of Health
Classification: Likely benign for Malignant hyperthermia, susceptibility to, 1. Last evaluated: 2023-12-01. Review status: criteria provided, single submitter. Criteria: ACMG Guidelines, 2015. Collection method: clinical testing. Allele origin: germline. Inheritance: Autosomal dominant inheritance. Observed: 2 variant alleles, 2 heterozygotes.
Comment: This study involves interpretation of variants in research participants for the purpose of population health screening. Participant phenotype was not available at the time of variant classification. Additional details can be found in publication PMID: 35346344, PMCID: PMC8962531

Eurofins Ntd Llc (ga)
Classification: Uncertain significance. Last evaluated: 2016-08-11. Review status: criteria provided, single submitter. Criteria: EGL Classification Definitions 2015. Collection method: clinical testing. Allele origin: germline. Observed: 2 variant alleles, 2 heterozygotes.

NM_000540.3(RYR1):c.2037C>A (p.Thr679=)

Gene: RYR1 (ryanodine receptor 1; plus strand). Cytogenetic location: 19q13.2.
Variant type: single nucleotide variant.
Coding change: c.2037C>A on transcript NM_000540.3 (MANE Select); coding-DNA position 2037, C replaced by A.
Protein change: p.Thr679=; no amino-acid change (threonine 679 retained).
Molecular consequence: synonymous variant.
Genome position (GRCh38, 1-based): chr19:38,458,162, C>A. VCF-style: chr19-38458162-C-A. GRCh37 (hg19) VCF-style: chr19-38948802-C-A.
Other names: c.2037C>A, p.Thr679= (NM_001042723.2).
Identifiers: ClinVar variation 289914 (VCV000289914.14), dbSNP rs571569206, ClinGen allele CA062765.